The following is an entry in ClinVar:

NM_015100.4(POGZ):c.2493C>G (p.Ala831=)

Gene: POGZ (pogo transposable element derived with ZNF domain; minus strand). Cytogenetic location: 1q21.3.
Variant type: single nucleotide variant.
Coding change: c.2493C>G on transcript NM_015100.4 (MANE Select); coding-DNA position 2493, C replaced by G.
Protein change: p.Ala831=; no amino-acid change (alanine 831 retained).
Molecular consequence: synonymous variant.
Genome position (GRCh38, 1-based): chr1:151,406,963, G>C on the plus strand (C>G on the coding strand, the complement: POGZ is on the minus strand). VCF-style: chr1-151406963-G-C. GRCh37 (hg19) VCF-style: chr1-151379439-G-C.
Other names: c.2208C>G, p.Ala736= (NM_145796.4); c.2334C>G, p.Ala778= (NM_207171.2); c.2466C>G, p.Ala822= (NM_001194937.2); c.2307C>G, p.Ala769= (NM_001194938.2).
Identifiers: ClinVar variation 1246557 (VCV001246557.17), dbSNP rs149634988, ClinGen allele CA1091160.

ClinVar aggregate classification (germline): Benign/Likely benign. Review status: criteria provided, multiple submitters, no conflicts (2 of 4 stars). 5 submissions from 5 submitters: Benign (1); Likely benign (3). 1 of the submissions does not count toward it. Last evaluated 2025-05-01.

Conditions:
Inborn genetic diseases. Identifiers: MedGen C0950123, MeSH D030342.
POGZ-related disorder. Also called: POGZ-related condition.
Intellectual disability-microcephaly-strabismus-behavioral abnormalities syndrome. Also called: White-Sutton Syndrome. Identifiers: Orphanet 468678, MedGen C4225351, MONDO:0014606, OMIM 616364.

Allele frequency attached by ClinVar (database versions not stated): ExAC 0.00004; 1000 Genomes Project 30x 0.00016; gnomAD 0.00019 and 0.00021; 1000 Genomes Project 0.00020; TOPMed 0.00021; ESP Exome Variant Server 0.00023.
gnomAD v4.1: 59 of 1,614,068 alleles (0.0037%); highest among the groups gnomAD compares: African/African-American, 0.069%; no homozygotes.

Submissions (5):

CeGaT Center for Human Genetics Tuebingen
Classification: Likely benign. Last evaluated: 2025-05-01. Review status: criteria provided, single submitter. Criteria: CeGaT Center For Human Genetics Tuebingen Variant Classification Criteria Version 2. Collection method: clinical testing. Allele origin: germline. Affected: yes. Observed: 1 variant allele.
Comment: POGZ: BP4, BP7

Genome-Nilou Lab
Classification: Likely benign for Intellectual disability-microcephaly-strabismus-behavioral abnormalities syndrome. Last evaluated: 2023-04-11. Review status: criteria provided, single submitter. Criteria: ACMG Guidelines, 2015. Collection method: clinical testing. Allele origin: germline. Affected: no.

GeneDx
Classification: Benign. Last evaluated: 2020-06-16. Review status: criteria provided, single submitter. Criteria: GeneDx Variant Classification Process June 2021. Collection method: clinical testing. Allele origin: germline. Affected: yes.

Ambry Genetics
Classification: Likely benign for Inborn genetic diseases. Last evaluated: 2019-09-26. Review status: criteria provided, single submitter. Criteria: Ambry Variant Classification Scheme 2023. Collection method: clinical testing. Allele origin: germline.

PreventionGenetics, part of Exact Sciences
Classification: Likely benign for POGZ-related condition. Last evaluated: 2019-02-18. Review status: no assertion criteria provided. Collection method: clinical testing. Allele origin: germline. Not counted in ClinVar's aggregate classification.
Comment: This variant is classified as likely benign based on ACMG/AMP sequence variant interpretation guidelines (Richards et al. 2015 PMID: 25741868, with internal and published modifications).